The following is an entry in ClinVar:

NM_000487.6(ARSA):c.724G>A (p.Glu242Lys)

Gene: ARSA (arylsulfatase A; minus strand). Cytogenetic location: 22q13.33.
Variant type: single nucleotide variant.
Coding change: c.724G>A on transcript NM_000487.6 (MANE Select); coding-DNA position 724, G replaced by A.
Protein change: p.Glu242Lys; replaces glutamic acid 242 with lysine.
Molecular consequence: missense variant.
Genome position (GRCh38, 1-based): chr22:50,626,721, C>T on the plus strand (G>A on the coding strand, the complement: ARSA is on the minus strand). VCF-style: chr22-50626721-C-T. GRCh37 (hg19) VCF-style: chr22-51065149-C-T.
Other names: c.724G>A, p.Glu242Lys (NM_001085425.3, NM_001085426.3, NM_001085427.3); c.466G>A, p.Glu156Lys (NM_001085428.3, NM_001362782.2); short protein forms E156K, E242K.
Identifiers: ClinVar variation 1515996 (VCV001515996.6), dbSNP rs757891932, ClinGen allele CA10324931.
Genomic context (GRCh38, chr22:50,626,721, plus strand): 5'-TCCCCACAGCTGCATCCAGCTCCATCAGGGAGTCCCCAAATGGCCCGCGGCCTGAACGCT[C>T]TGCAAAGCTCTGCCCACTGAACTGAGGGTAGTGGGTGTGCTGGGGGCAAAGACTGGAGTT-3'
Protein context (NP_000478.3, residues 232-252): YPQFSGQSFA[Glu242Lys]RSGRGPFGDS

ClinVar aggregate classification (germline): Uncertain significance (1 of 4 stars; one submission).

Conditions:
Metachromatic leukodystrophy (MLD). Also called: Cerebral sclerosis diffuse metachromatic form; Arylsulfatase A Deficiency; METACHROMATIC LEUKOENCEPHALOPATHY; SULFATIDE LIPIDOSIS; ARSA DEFICIENCY; CEREBROSIDE SULFATASE DEFICIENCY. Identifiers: Orphanet 512, MedGen C0023522, MONDO:0018868, OMIM 250100.

Allele frequency attached by ClinVar (database versions not stated): gnomAD exomes below 0.00001; gnomAD 0.00001; ExAC 0.00002.

Submission:

Labcorp Genetics (formerly Invitae), Labcorp
Classification: Uncertain significance for Metachromatic leukodystrophy. Last evaluated: 2022-09-27. Review status: criteria provided, single submitter. Criteria: Invitae Variant Classification Sherloc (09022015). Collection method: clinical testing. Allele origin: germline.
Comment: In summary, the available evidence is currently insufficient to determine the role of this variant in disease. Therefore, it has been classified as a Variant of Uncertain Significance. Algorithms developed to predict the effect of missense changes on protein structure and function output the following: SIFT: "Tolerated"; PolyPhen-2: "Benign"; Align-GVGD: "Class C0". The lysine amino acid residue is found in multiple mammalian species, which suggests that this missense change does not adversely affect protein function. ClinVar contains an entry for this variant (Variation ID: 1515996). This variant has not been reported in the literature in individuals affected with ARSA-related conditions. The frequency data for this variant in the population databases is considered unreliable, as metrics indicate poor data quality at this position in the gnomAD database. This sequence change replaces glutamic acid, which is acidic and polar, with lysine, which is basic and polar, at codon 242 of the ARSA protein (p.Glu242Lys).